The following is an entry in ClinVar:

NM_001165963.4(SCN1A):c.3712G>T (p.Glu1238Ter)

Genes: SCN1A (sodium voltage-gated channel alpha subunit 1; minus strand), LOC102724058 (uncharacterized LOC102724058; plus strand). Cytogenetic location: 2q24.3.
Variant type: single nucleotide variant.
Coding change: c.3712G>T on transcript NM_001165963.4 (MANE Select); coding-DNA position 3712, G replaced by T.
Protein change: p.Glu1238Ter; replaces glutamic acid 1238 with a stop codon.
Molecular consequence: nonsense. On other transcripts: non-coding transcript variant (1).
Genome position (GRCh38, 1-based): chr2:166,012,276, C>A on the plus strand (G>T on the coding strand, the complement: SCN1A is on the minus strand). VCF-style: chr2-166012276-C-A. GRCh37 (hg19) VCF-style: chr2-166868786-C-A.
Other names: c.3628G>T, p.Glu1210Ter (NM_001165964.3, NM_001353957.2, NM_001353958.2); c.3712G>T, p.Glu1238Ter (NM_001202435.3, NM_001353948.2); c.3679G>T, p.Glu1227Ter (NM_001353949.2, NM_001353950.2, NM_001353951.2 and 2 more transcripts); c.3676G>T, p.Glu1226Ter (NM_001353954.2, NM_001353955.2); c.3625G>T, p.Glu1209Ter (NM_001353960.2); c.1270G>T, p.Glu424Ter (NM_001353961.2); short protein forms E424*, E1238*, E1210*, E1226*, E1209*, E1227*.
Identifiers: ClinVar variation 1459076 (VCV001459076.2), dbSNP rs750364705, ClinGen allele CA349054678.

ClinVar aggregate classification (germline): Pathogenic (1 of 4 stars; one submission).

Conditions:
Developmental and epileptic encephalopathy. Identifiers: MedGen C5779964, MONDO:0100620.

Submission:

Labcorp Genetics (formerly Invitae), Labcorp
Classification: Pathogenic for Early-infantile DEE. Last evaluated: 2021-05-29. Review status: criteria provided, single submitter. Criteria: Invitae Variant Classification Sherloc (09022015). Collection method: clinical testing. Allele origin: germline.
Comment: This sequence change creates a premature translational stop signal (p.Glu1238*) in the SCN1A gene. It is expected to result in an absent or disrupted protein product. Loss-of-function variants in SCN1A are known to be pathogenic (PMID: 17347258, 18930999). This variant is not present in population databases (ExAC no frequency). This variant has not been reported in the literature in individuals with SCN1A-related conditions. For these reasons, this variant has been classified as Pathogenic.

Literature cited by the submitters: PubMed 17347258; PubMed 18930999.